The following is an entry in ClinVar:

ClinVar aggregate classification (germline): Uncertain significance (1 of 4 stars; one submission).

gnomAD v4.1: 1 of 1,613,378 alleles (0.000062%); highest among the groups gnomAD compares: South Asian, 0.0011%; no homozygotes.

Submission:

Labcorp Genetics (formerly Invitae), Labcorp
Classification: Uncertain significance. Last evaluated: 2024-09-18. Review status: criteria provided, single submitter. Criteria: Invitae Variant Classification Sherloc (09022015). Collection method: clinical testing. Allele origin: germline.
Comment: This sequence change replaces proline, which is neutral and non-polar, with arginine, which is basic and polar, at codon 1318 of the CACNA1D protein (p.Pro1318Arg). This variant is not present in population databases (gnomAD no frequency). This variant has not been reported in the literature in individuals affected with CACNA1D-related conditions. An algorithm developed to predict the effect of missense changes on protein structure and function (PolyPhen-2) suggests that this variant is likely to be tolerated. In summary, the available evidence is currently insufficient to determine the role of this variant in disease. Therefore, it has been classified as a Variant of Uncertain Significance.

NM_001128840.3(CACNA1D):c.3893C>G (p.Pro1298Arg)

Gene: CACNA1D (calcium voltage-gated channel subunit alpha1 D; plus strand). Cytogenetic location: 3p21.1.
Variant type: single nucleotide variant.
Coding change: c.3893C>G on transcript NM_001128840.3 (MANE Select); coding-DNA position 3893, C replaced by G.
Protein change: p.Pro1298Arg; replaces proline 1298 with arginine.
Molecular consequence: missense variant. On other transcripts: intron variant (1).
Genome position (GRCh38, 1-based): chr3:53,769,995, C>G. VCF-style: chr3-53769995-C-G. GRCh37 (hg19) VCF-style: chr3-53804022-C-G.
Other names: c.3953C>G, p.Pro1318Arg (NM_000720.4); c.3871-429C>G (NM_001128839.3); short protein forms P1298R, P1318R.
Identifiers: ClinVar variation 3717888 (VCV003717888.2).